The following is an entry in ClinVar:

ClinVar aggregate classification (germline): Uncertain significance. Review status: criteria provided, multiple submitters, no conflicts (2 of 4 stars). 2 submissions from 2 submitters: Uncertain significance (2). Last evaluated 2025-08-31.

Conditions:
Inborn genetic diseases. Identifiers: MedGen C0950123, MeSH D030342.

gnomAD v4.1: 7 of 1,597,346 alleles (0.00044%); highest among the groups gnomAD compares: South Asian, 0.0023%; no homozygotes.

Submissions (2):

Ambry Genetics
Classification: Uncertain significance for Inborn genetic diseases. Last evaluated: 2025-08-31. Review status: criteria provided, single submitter. Criteria: Ambry Variant Classification Scheme 2023. Collection method: clinical testing. Allele origin: germline.

Labcorp Genetics (formerly Invitae), Labcorp
Classification: Uncertain significance. Last evaluated: 2025-05-07. Review status: criteria provided, single submitter. Criteria: Invitae Variant Classification Sherloc (09022015). Collection method: clinical testing. Allele origin: germline.
Comment: This sequence change replaces proline, which is neutral and non-polar, with leucine, which is neutral and non-polar, at codon 429 of the PEPD protein (p.Pro429Leu). The frequency data for this variant in the population databases is considered unreliable, as metrics indicate poor data quality at this position in the gnomAD database. This variant has not been reported in the literature in individuals affected with PEPD-related conditions. Invitae Evidence Modeling of protein sequence and biophysical properties (such as structural, functional, and spatial information, amino acid conservation, physicochemical variation, residue mobility, and thermodynamic stability) has been performed for this missense variant. However, the output from this modeling did not meet the statistical confidence thresholds required to predict the impact of this variant on PEPD protein function. In summary, the available evidence is currently insufficient to determine the role of this variant in disease. Therefore, it has been classified as a Variant of Uncertain Significance.

NM_000285.4(PEPD):c.1286C>T (p.Pro429Leu)

Gene: PEPD (peptidase D; minus strand). Cytogenetic location: 19q13.11.
Variant type: single nucleotide variant.
Coding change: c.1286C>T on transcript NM_000285.4 (MANE Select); coding-DNA position 1286, C replaced by T.
Protein change: p.Pro429Leu; replaces proline 429 with leucine.
Molecular consequence: missense variant.
Genome position (GRCh38, 1-based): chr19:33,387,948, G>A on the plus strand (C>T on the coding strand, the complement: PEPD is on the minus strand). VCF-style: chr19-33387948-G-A. GRCh37 (hg19) VCF-style: chr19-33878854-G-A.
Other names: c.1163C>T, p.Pro388Leu (NM_001166056.2); c.1094C>T, p.Pro365Leu (NM_001166057.2); short protein forms P365L, P388L, P429L.
Identifiers: ClinVar variation 4134748 (VCV004134748.2).